The following is an entry in ClinVar:

NM_000038.6(APC):c.1864T>C (p.Tyr622His)

Gene: APC (APC regulator of Wnt signaling pathway; plus strand). Cytogenetic location: 5q22.2.
Variant type: single nucleotide variant.
Coding change: c.1864T>C on transcript NM_000038.6 (MANE Select); coding-DNA position 1864, T replaced by C.
Protein change: p.Tyr622His; replaces tyrosine 622 with histidine.
Molecular consequence: missense variant.
Genome position (GRCh38, 1-based): chr5:112,835,071, T>C. VCF-style: chr5-112835071-T-C. GRCh37 (hg19) VCF-style: chr5-112170768-T-C.
Other names: c.1864T>C, p.Tyr622His (NM_001127510.3, NM_001354895.2); c.1810T>C, p.Tyr604His (NM_001127511.3); c.1918T>C, p.Tyr640His (NM_001354896.2); c.1894T>C, p.Tyr632His (NM_001354897.2); c.1789T>C, p.Tyr597His (NM_001354898.2); c.1780T>C, p.Tyr594His (NM_001354899.2); c.1741T>C, p.Tyr581His (NM_001354900.2); c.1687T>C, p.Tyr563His (NM_001354901.2); and 5 more; short protein forms Y622H, Y604H, Y462H, Y496H, Y521H, Y563H, Y581H, Y640H.
Identifiers: ClinVar variation 584663 (VCV000584663.7), dbSNP rs1561568794, ClinGen allele CA16025397.

ClinVar aggregate classification (germline): Uncertain significance. Review status: criteria provided, multiple submitters, no conflicts (2 of 4 stars). 3 submissions from 3 submitters: Uncertain significance (3). Last evaluated 2024-01-26.

Conditions:
Familial adenomatous polyposis 1 (FAP1). Also called: FAMILIAL ADENOMATOUS POLYPOSIS 1, ATTENUATED; POLYPOSIS, ADENOMATOUS INTESTINAL. Identifiers: MedGen C2713442, MONDO:0021056, OMIM 175100. Disease mechanism: loss of function.
Hereditary cancer-predisposing syndrome. Also called: Neoplastic Syndromes, Hereditary; Hereditary Cancer Syndrome; Tumor predisposition; Hereditary neoplastic syndrome. Identifiers: Orphanet 140162, MedGen C0027672, MeSH D009386, MONDO:0015356.

Allele frequency attached by ClinVar (database versions not stated): gnomAD exomes below 0.00001.
gnomAD v4.1: 2 of 1,614,160 alleles (0.00012%); highest among the groups gnomAD compares: Non-Finnish European, 0.00017%; no homozygotes.

Submissions (3):

Quest Diagnostics Nichols Institute San Juan Capistrano
Classification: Uncertain significance. Last evaluated: 2024-01-26. Review status: criteria provided, single submitter. Criteria: Quest Diagnostics criteria. Collection method: clinical testing. Allele origin: unknown.
Comment: The APC c.1864T>C (p.Tyr622His) variant has not been reported in individuals with APC-related conditions in the published literature. It also has not been reported in large, multi-ethnic general populations (Genome Aggregation Database). Analysis of this variant using bioinformatics tools for the prediction of the effect of amino acid changes on protein structure and function yielded conflicting predictions that this variant is benign or damaging. Based on the available information, we are unable to determine the clinical significance of this variant.

Ambry Genetics
Classification: Uncertain significance for Hereditary cancer-predisposing syndrome. Last evaluated: 2023-11-10. Review status: criteria provided, single submitter. Criteria: Ambry Variant Classification Scheme 2023. Collection method: clinical testing. Allele origin: germline.
Comment: The p.Y622H variant (also known as c.1864T>C), located in coding exon 14 of the APC gene, results from a T to C substitution at nucleotide position 1864. The tyrosine at codon 622 is replaced by histidine, an amino acid with similar properties. This alteration was detected in a cohort of 1663 Brazilian breast cancer patients who underwent hereditary multigene panel testing (Guindalini RSC et al. Sci Rep, 2022 Mar;12:4190). This amino acid position is well conserved in available vertebrate species. In addition, in silico predictors for this gene do not accurately predict pathogenicity. Since supporting evidence is limited at this time, the clinical significance of this alteration remains unclear.

Mendelics
Classification: Uncertain significance for Familial adenomatous polyposis 1. Last evaluated: 2018-07-02. Review status: criteria provided, single submitter. Criteria: Mendelics Assertion Criteria 2017. Collection method: clinical testing. Allele origin: unknown.

Literature cited by the submitters: PubMed 35264596 (cited by Ambry Genetics).